The following is an entry in ClinVar:

NM_001370466.1(NOD2):c.2576C>T (p.Ala859Val)

Gene: NOD2 (nucleotide binding oligomerization domain containing 2; plus strand). Cytogenetic location: 16q12.1.
Variant type: single nucleotide variant.
Coding change: c.2576C>T on transcript NM_001370466.1 (MANE Select); coding-DNA position 2576, C replaced by T.
Protein change: p.Ala859Val; replaces alanine 859 with valine.
Molecular consequence: missense variant. On other transcripts: non-coding transcript variant (1).
Genome position (GRCh38, 1-based): chr16:50,719,951, C>T. VCF-style: chr16-50719951-C-T. GRCh37 (hg19) VCF-style: chr16-50753862-C-T.
Other names: c.2576C>T, p.Ala859Val (NM_001293557.2); c.2657C>T, p.Ala886Val (NM_022162.3); short protein forms A886V, A859V.
Identifiers: ClinVar variation 1413828 (VCV001413828.8), dbSNP rs565200911, ClinGen allele CA281272736.

ClinVar aggregate classification (germline): Uncertain significance (1 of 4 stars; one submission).

Conditions:
Regional enteritis. Also called: Enteritis, Granulomatous. Identifiers: MedGen C0678202, MeSH D003424.
Blau syndrome (BLAUS). Also called: ARTHROCUTANEOUVEAL GRANULOMATOSIS; JABS SYNDROME; GRANULOMATOSIS, FAMILIAL JUVENILE SYSTEMIC; GRANULOMATOSIS, FAMILIAL, BLAU TYPE; GRANULOMATOUS INFLAMMATORY ARTHRITIS, DERMATITIS, AND UVEITIS, FAMILIAL. Identifiers: Orphanet 90340, MedGen C5201146, MONDO:0008523, OMIM 186580.

Allele frequency attached by ClinVar (database versions not stated): gnomAD 0.00001; 1000 Genomes Project 30x 0.00016; 1000 Genomes Project 0.00020.

Submission:

Labcorp Genetics (formerly Invitae), Labcorp
Classification: Uncertain significance for Regional enteritis; Blau syndrome. Last evaluated: 2022-11-01. Review status: criteria provided, single submitter. Criteria: Invitae Variant Classification Sherloc (09022015). Collection method: clinical testing. Allele origin: germline.
Comment: In summary, the available evidence is currently insufficient to determine the role of this variant in disease. Therefore, it has been classified as a Variant of Uncertain Significance. Advanced modeling of protein sequence and biophysical properties (such as structural, functional, and spatial information, amino acid conservation, physicochemical variation, residue mobility, and thermodynamic stability) performed at Invitae indicates that this missense variant is not expected to disrupt NOD2 protein function. ClinVar contains an entry for this variant (Variation ID: 1413828). This variant has not been reported in the literature in individuals affected with NOD2-related conditions. This variant is present in population databases (rs565200911, gnomAD 0.06%). This sequence change replaces alanine, which is neutral and non-polar, with valine, which is neutral and non-polar, at codon 886 of the NOD2 protein (p.Ala886Val).